The following is an entry in ClinVar:

NM_004329.3(BMPR1A):c.1304del (p.Leu435fs)

Gene: BMPR1A (bone morphogenetic protein receptor type 1A; plus strand). Cytogenetic location: 10q23.2.
Variant type: Deletion.
Coding change: c.1304del on transcript NM_004329.3 (MANE Select); coding-DNA position 1304, one base deleted (T; older notation c.1304delT).
Protein change: p.Leu435fs; shifts the reading frame from leucine 435.
Molecular consequence: frameshift variant. On other transcripts: non-coding transcript variant (3).
Genome position (GRCh38, 1-based): chr10:86,921,657, T deleted. VCF-style (leftmost placement, unchanged base first): chr10-86921656-CT-C. GRCh37 (hg19) VCF-style: chr10-88681413-CT-C.
Other names: c.1379del, p.Leu460fs (NM_001406559.1); c.1352del, p.Leu451fs (NM_001406560.1); c.1304del, p.Leu435fs (NM_001406561.1, NM_001406562.1, NM_001406563.1 and 19 more transcripts); c.1298del, p.Leu433fs (NM_001406583.1); c.1220del, p.Leu407fs (NM_001406584.1, NM_001406585.1, NM_001406586.1 and 2 more transcripts); c.962del, p.Leu321fs (NM_001406589.1); short protein forms L321fs, L407fs, L433fs, L435fs, L451fs, L460fs.
Identifiers: ClinVar variation 3481221 (VCV003481221.1).

ClinVar aggregate classification (germline): Pathogenic (1 of 4 stars; one submission).

Conditions:
Hereditary cancer-predisposing syndrome. Also called: Tumor predisposition; Neoplastic Syndromes, Hereditary; Hereditary Cancer Syndrome; Hereditary neoplastic syndrome. Identifiers: Orphanet 140162, MedGen C0027672, MeSH D009386, MONDO:0015356.

Submission:

Ambry Genetics
Classification: Pathogenic for Hereditary cancer-predisposing syndrome. Last evaluated: 2024-09-03. Review status: criteria provided, single submitter. Criteria: Ambry Variant Classification Scheme 2023. Collection method: clinical testing. Allele origin: germline.
Comment: The c.1304delT pathogenic mutation, located in coding exon 9 of the BMPR1A gene, results from a deletion of one nucleotide at nucleotide position 1304, causing a translational frameshift with a predicted alternate stop codon (p.L435Qfs*63). This alteration occurs at the 3' terminus of the BMPR1A gene, is not expected to trigger nonsense-mediated mRNA decay, and only impacts the last 19% of the protein. However, premature stop codons are typically deleterious in nature and a significant portion of the protein is affected (Ambry internal data). This variant is considered to be rare based on population cohorts in the Genome Aggregation Database (gnomAD). Based on the supporting evidence, this variant is interpreted as a disease-causing mutation.